The following is an entry in ClinVar:

NM_001013703.4(EIF2AK4):c.1537C>G (p.Gln513Glu)

Gene: EIF2AK4 (eukaryotic translation initiation factor 2 alpha kinase 4; plus strand). Cytogenetic location: 15q15.1.
Variant type: single nucleotide variant.
Coding change: c.1537C>G on transcript NM_001013703.4 (MANE Select); coding-DNA position 1537, C replaced by G.
Protein change: p.Gln513Glu; replaces glutamine 513 with glutamic acid.
Molecular consequence: missense variant.
Genome position (GRCh38, 1-based): chr15:39,967,863, C>G. VCF-style: chr15-39967863-C-G. GRCh37 (hg19) VCF-style: chr15-40260064-C-G.
Other names: short protein forms Q513E.
Identifiers: ClinVar variation 1678764 (VCV001678764.6), dbSNP rs200393344, ClinGen allele CA7473788.
Genomic context (GRCh38, chr15:39,967,863, plus strand): 5'-CAAGGACAGGAATGTGGAGAGTACCCTGTGACCATCCCTAGTGACTTACCAGCTGACTTT[C>G]AAGATTTTCTAAAGAAGTGAGTATCACTGAGATTCTCTCTAATAGCACTTTACTCCTGTA-3'
Protein context (NP_001013725.2, residues 503-523): TIPSDLPADF[Gln513Glu]DFLKKCVCLD

ClinVar aggregate classification (germline): Likely benign. Review status: criteria provided, multiple submitters, no conflicts (2 of 4 stars). 3 submissions from 3 submitters: Likely benign (3). Last evaluated 2025-07-14.

Allele frequency attached by ClinVar (database versions not stated): gnomAD 0.00029 and 0.00034; TOPMed 0.00040; ESP Exome Variant Server 0.00041; gnomAD exomes 0.00052 and 0.00058; ExAC 0.00084.
gnomAD v4.1: 890 of 1,613,606 alleles (0.055%); highest among the groups gnomAD compares: Non-Finnish European, 0.07%; 1 homozygote.

Submissions (3):

Labcorp Genetics (formerly Invitae), Labcorp
Classification: Likely benign. Last evaluated: 2025-07-14. Review status: criteria provided, single submitter. Criteria: Invitae Variant Classification Sherloc (09022015). Collection method: clinical testing. Allele origin: germline.

Blueprint Genetics
Classification: Likely benign. Last evaluated: 2024-11-01. Review status: criteria provided, single submitter. Criteria: ACMG Guidelines, 2015. Collection method: clinical testing. Allele origin: germline.

GeneDx
Classification: Likely benign. Last evaluated: 2019-05-23. Review status: criteria provided, single submitter. Criteria: GeneDx Variant Classification Process June 2021. Collection method: clinical testing. Allele origin: germline. Affected: yes.
Comment: See Variant Classification Assertion Criteria.